The following is an entry in ClinVar:

ClinVar aggregate classification (germline): Likely pathogenic (1 of 4 stars; one submission).

Conditions:
Cardiovascular phenotype. Identifiers: MedGen CN230736.

Allele frequency attached by ClinVar (database versions not stated): TOPMed below 0.00001; ExAC 0.00001; gnomAD 0.00001.
gnomAD v4.1: 2 of 1,614,040 alleles (0.00012%); highest among the groups gnomAD compares: Non-Finnish European, 0.00017%; no homozygotes.

Submission:

Ambry Genetics
Classification: Likely pathogenic for Cardiovascular phenotype. Last evaluated: 2020-11-20. Review status: criteria provided, single submitter. Criteria: Ambry Variant Classification Scheme 2023. Collection method: clinical testing. Allele origin: germline.
Comment: The p.Q331* variant (also known as c.991C>T), located in coding exon 1 of the DOLK gene, results from a C to T substitution at nucleotide position 991. This changes the amino acid from a glutamine to a stop codon within coding exon 1. This alteration is not expected to trigger nonsense-mediated mRNA decay because the DOLK gene only contains a single exon. However, premature stop codons are typically deleterious in nature, the impacted region is critical for protein function, and a significant portion of the protein is affected (39%, 209 amino acids) (Ambry internal data). Based on data from gnomAD, the T allele has an overall frequency of 0.0004% (1/251336) total alleles studied. The highest observed frequency was 0.0009% (1/113702) of European (non-Finnish) alleles. Based on the majority of available evidence to date, this variant is likely to be pathogenic.

NM_014908.4(DOLK):c.991C>T (p.Gln331Ter)

Gene: DOLK (dolichol kinase; minus strand). Cytogenetic location: 9q34.11.
Variant type: single nucleotide variant.
Coding change: c.991C>T on transcript NM_014908.4 (MANE Select); coding-DNA position 991, C replaced by T.
Protein change: p.Gln331Ter; replaces glutamine 331 with a stop codon.
Molecular consequence: nonsense.
Genome position (GRCh38, 1-based): chr9:128,946,313, G>A on the plus strand (C>T on the coding strand, the complement: DOLK is on the minus strand). VCF-style: chr9-128946313-G-A. GRCh37 (hg19) VCF-style: chr9-131708592-G-A.
Other names: short protein forms Q331*.
Identifiers: ClinVar variation 1768612 (VCV001768612.2), dbSNP rs761604406, ClinGen allele CA5271653.
Genomic context (GRCh38, chr9:128,946,313, plus strand): 5'-CTGGGATGTAGGTGGCTACCACAATGAGGTGGAAATACTTTCGGGCGATGGTGGGGGCCT[G>A]GTGCTTCTTGGACTCGGAAGATGACCGCTTGGCATTCTGGTACAGCACCACCAGGCAGGC-3'